The following is an entry in ClinVar:

ClinVar aggregate classification (germline): Likely pathogenic (1 of 4 stars; one submission).

Submission:

GeneDx
Classification: Likely pathogenic. Last evaluated: 2020-10-08. Review status: criteria provided, single submitter. Criteria: GeneDx Variant Classification Process June 2021. Collection method: clinical testing. Allele origin: germline. Affected: yes.
Comment: Frameshift variant predicted to result in protein truncation or nonsense mediated decay in a gene for which loss-of-function is a known mechanism of disease; Not observed in large population cohorts (Lek et al., 2016); Has not been previously published as pathogenic or benign to our knowledge

NM_000254.3(MTR):c.2432dup (p.Cys812fs)

Gene: MTR (5-methyltetrahydrofolate-homocysteine methyltransferase; plus strand). Cytogenetic location: 1q43.
Variant type: Duplication.
Coding change: c.2432dup on transcript NM_000254.3 (MANE Select); coding-DNA position 2432, one base duplicated (C; older notation c.2432dupC).
Protein change: p.Cys812fs; shifts the reading frame from cysteine 812.
Molecular consequence: frameshift variant.
Genome position (GRCh38, 1-based): chr1:236,873,799, C duplicated; the last of 2 consecutive C bases (chr1:236,873,798-236,873,799); duplicating either gives the same sequence. VCF-style (leftmost placement, unchanged base first): chr1-236873797-T-TC. GRCh37 (hg19) VCF-style: chr1-237037097-T-TC.
Other names: c.2279dup, p.Cys761fs (NM_001291939.1); c.1211dup, p.Cys405fs (NM_001291940.2); short protein forms C405fs, C761fs, C812fs.
Identifiers: ClinVar variation 1198153 (VCV001198153.2), dbSNP rs1665274096, ClinGen allele CA2487099036.
Genomic context (GRCh38, chr1:236,873,797, plus strand): 5'-TCATTAATTTTCTCATGTCTCATTTCTGTGCCTCAGAGTTATTGATTTAGGAGTCATGAC[T>TC]CCATGTGATAAGATACTGAAAGCTGCTCTTGACCACAAAGCAGGTACTGTGCAACTATAC-3'